The following is an entry in ClinVar:

NM_001371986.1(UNC80):c.1688A>C (p.Lys563Thr)

Genes: UNC80 (unc-80 subunit of NALCN channel complex; plus strand), LOC122861286 (Sharpr-MPRA regulatory region 8450; plus strand). Cytogenetic location: 2q34.
Variant type: single nucleotide variant.
Coding change: c.1688A>C on transcript NM_001371986.1 (MANE Select); coding-DNA position 1688, A replaced by C.
Protein change: p.Lys563Thr; replaces lysine 563 with threonine.
Molecular consequence: missense variant.
Genome position (GRCh38, 1-based): chr2:209,817,947, A>C. VCF-style: chr2-209817947-A-C. GRCh37 (hg19) VCF-style: chr2-210682671-A-C.
Other names: c.1688A>C, p.Lys563Thr (NM_032504.2, NM_182587.4); short protein forms K563T.
Identifiers: ClinVar variation 2120250 (VCV002120250.4), dbSNP rs1179154777, ClinGen allele CA350135416.

ClinVar aggregate classification (germline): Uncertain significance (1 of 4 stars; one submission).

Allele frequency attached by ClinVar (database versions not stated): TOPMed 0.00001.

Submission:

Labcorp Genetics (formerly Invitae), Labcorp
Classification: Uncertain significance. Last evaluated: 2022-04-01. Review status: criteria provided, single submitter. Criteria: Invitae Variant Classification Sherloc (09022015). Collection method: clinical testing. Allele origin: germline.
Comment: This sequence change replaces lysine, which is basic and polar, with threonine, which is neutral and polar, at codon 563 of the UNC80 protein (p.Lys563Thr). In summary, the available evidence is currently insufficient to determine the role of this variant in disease. Therefore, it has been classified as a Variant of Uncertain Significance. Algorithms developed to predict the effect of missense changes on protein structure and function are either unavailable or do not agree on the potential impact of this missense change (SIFT: "Not Available"; PolyPhen-2: "Probably Damaging"; Align-GVGD: "Not Available"). This variant has not been reported in the literature in individuals affected with UNC80-related conditions. This variant is not present in population databases (gnomAD no frequency).